The following is an entry in ClinVar:

ClinVar aggregate classification (germline): Pathogenic/Likely pathogenic. Review status: criteria provided, multiple submitters, no conflicts (2 of 4 stars). 6 submissions from 6 submitters: Pathogenic (4); Likely pathogenic (1). 1 of the submissions does not count toward it. Last evaluated 2025-10-31.

Conditions:
SLC26A4-related disorder. Also called: SLC26A4-related condition; SLC26A4-related disorders.
Autosomal recessive nonsyndromic hearing loss 4 (DFNB4). Also called: DEAFNESS, AUTOSOMAL RECESSIVE 4, WITH ENLARGED VESTIBULAR AQUEDUCT, DIGENIC; FOXI1-Related Pendred Syndrome; KCNJ10-Related Pendred Syndrome; Nonsyndromic enlarged vestibular aqueduct (NSEVA); Deafness, autosomal recessive 4, with enlarged vestibular aqueduct; NEUROSENSORY NONSYNDROMIC RECESSIVE DEAFNESS 4. Identifiers: Orphanet 90636, MedGen C3538946, MONDO:0010933, OMIM 600791.
Pendred syndrome (PDS). Also called: Pendred's syndrome; Pendred Syndrome (PDS); DEAFNESS WITH GOITER; GOITER-DEAFNESS SYNDROME; HYPOTHYROIDISM, CONGENITAL, DUE TO DYSHORMONOGENESIS, 2B; THYROID DYSHORMONOGENESIS 2B. Identifiers: Orphanet 705, MedGen C0271829, MONDO:0010134, OMIM 274600.

Allele frequency attached by ClinVar (database versions not stated): gnomAD exomes below 0.00001; gnomAD 0.00002; TOPMed 0.00002.

Submissions (6):

Otogenetics
Classification: Pathogenic for Autosomal recessive nonsyndromic hearing loss 4; Pendred syndrome. Last evaluated: 2025-10-31. Review status: criteria provided, single submitter. Criteria: ACMG Guidelines, 2015. Collection method: clinical testing. Allele origin: germline.
Comment: PVS1: Frameshift indel introduces premature stop codon in gene with loss of function as mechanism of disease, predicted to undergo NMD; PM2: Maximum gnomAD MAF of 0.0115% in African (AFR) subpopulation (<0.248% threshold); PM3_Moderate: Variant reported in trans with another pathogenic variant in an individual affected with non-syndromic hearing loss with enlarged vestibular aqueduct (PMID: 26969326)

PreventionGenetics, part of Exact Sciences
Classification: Pathogenic for SLC26A4-related condition. Last evaluated: 2025-07-10. Review status: criteria provided, single submitter. Criteria: ACMG Guidelines, 2015. Collection method: clinical testing. Allele origin: germline.
Comment: The SLC26A4 c.55delA variant is predicted to result in a frameshift and premature protein termination (p.Ser19Alafs*47). This variant was reported along with a second pathogenic variant in an individual with Pendred syndrome (Table S3, Sloan-Heggen et al. 2016. PubMed ID: 26969326). This variant is reported in 0.011% of alleles in individuals of African descent in gnomAD. Frameshift variants in SLC26A4 are expected to be pathogenic. This variant is interpreted as pathogenic.

Natera, Inc.
Classification: Pathogenic for Pendred syndrome. Last evaluated: 2024-10-06. Review status: criteria provided, single submitter. Criteria: Natera Variant Classification Schema (03/2026). Collection method: clinical testing. Allele origin: germline.
Comment: The c.55delA variant in SLC26A4 is a frameshift variant predicted to shift the reading frame beginning at codon 19 and leads to a stop codon 47 codons downstream. This variant is expected to result in nonsense mediated decay, truncation, or a dysfunctional protein product. This variant is rare in the general population with a frequency below the threshold expected for the associated phenotype(s). This variant has been observed in one or more individuals affected with the associated recessive disease, as either homozygous or compound heterozygous with a second variant (PMID: 26969326). Given the available evidence, this variant is classified as Pathogenic.

Labcorp Genetics (formerly Invitae), Labcorp
Classification: Pathogenic. Last evaluated: 2023-11-06. Review status: criteria provided, single submitter. Criteria: Invitae Variant Classification Sherloc (09022015). Collection method: clinical testing. Allele origin: germline.
Comment: This sequence change creates a premature translational stop signal (p.Ser19Alafs*47) in the SLC26A4 gene. It is expected to result in an absent or disrupted protein product. Loss-of-function variants in SLC26A4 are known to be pathogenic (PMID: 16283880, 25394566, 26252218, 26445815). This variant is present in population databases (no rsID available, gnomAD 0.01%). This premature translational stop signal has been observed in individual(s) with Pendred syndrome (PMID: 26969326). ClinVar contains an entry for this variant (Variation ID: 370620). For these reasons, this variant has been classified as Pathogenic.

Genome-Nilou Lab
Classification: Likely pathogenic for Pendred syndrome. Last evaluated: 2021-09-05. Review status: criteria provided, single submitter. Criteria: ACMG Guidelines, 2015. Collection method: clinical testing. Allele origin: germline. Affected: no.

Counsyl
Classification: Likely pathogenic for Pendred syndrome. Last evaluated: 2016-03-10. Review status: no assertion criteria provided. Collection method: clinical testing. Allele origin: unknown. Not counted in ClinVar's aggregate classification.

Literature cited by the submitters: PubMed 26969326 (cited by 3 submitters); PubMed 16283880 (cited by Labcorp Genetics (formerly Invitae), Labcorp); PubMed 25394566 (cited by Labcorp Genetics (formerly Invitae), Labcorp); PubMed 26252218 (cited by Labcorp Genetics (formerly Invitae), Labcorp); PubMed 26445815 (cited by Labcorp Genetics (formerly Invitae), Labcorp).

NM_000441.2(SLC26A4):c.55del (p.Ser19fs)

Genes: SLC26A4 (solute carrier family 26 member 4; plus strand), SLC26A4-AS1 (SLC26A4 antisense RNA 1; minus strand). Cytogenetic location: 7q22.3.
Variant type: Deletion.
Coding change: c.55del on transcript NM_000441.2 (MANE Select); coding-DNA position 55, one base deleted (A; older notation c.55delA).
Protein change: p.Ser19fs; shifts the reading frame from serine 19.
Molecular consequence: frameshift variant. On other transcripts: non-coding transcript variant (1).
Genome position (GRCh38, 1-based): chr7:107,661,696, A deleted. VCF-style (leftmost placement, unchanged base first): chr7-107661695-CA-C. GRCh37 (hg19) VCF-style: chr7-107302140-CA-C.
Other names: short protein forms S19fs.
Identifiers: ClinVar variation 370620 (VCV000370620.19), dbSNP rs1057516634, ClinGen allele CA16041099.